The following is an entry in ClinVar:

NM_000330.4(RS1):c.345G>C (p.Lys115Asn)

Genes: CDKL5 (cyclin dependent kinase like 5; plus strand), RS1 (retinoschisin 1; minus strand). Cytogenetic location: Xp22.13.
Variant type: single nucleotide variant.
Coding change: c.345G>C on transcript NM_000330.4 (MANE Select); coding-DNA position 345, G replaced by C.
Protein change: p.Lys115Asn; replaces lysine 115 with asparagine.
Molecular consequence: missense variant. On other transcripts: intron variant (2).
Genome position (GRCh38, 1-based): chrX:18,644,607, C>G on the plus strand (G>C on the coding strand, the complement: RS1 is on the minus strand). VCF-style: chrX-18644607-C-G. GRCh37 (hg19) VCF-style: chrX-18662727-C-G.
Other names: c.2714-1400C>G (NM_003159.3, NM_001037343.2); short protein forms K115N.
Identifiers: ClinVar variation 2706063 (VCV002706063.3), dbSNP rs768571577, ClinGen allele CA412372326.
Genomic context (GRCh38, chrX:18,644,607, plus strand): 5'-CCCTGAAATCACTTTGATCTCCTTCAGATCTATCTGTAACCACTGGCTACTGTCCTGGAA[C>G]TTGGAGAGCCAGGCACACCTGCCGAGAACATACCGAGTCACCGAGAGACTCCCCCTGTGC-3'
Protein context (NP_000321.1, residues 105-125): SQGFGCAWLS[Lys115Asn]FQDSSQWLQI

ClinVar aggregate classification (germline): Uncertain significance (1 of 4 stars; one submission).

Submission:

Labcorp Genetics (formerly Invitae), Labcorp
Classification: Uncertain significance. Last evaluated: 2023-12-28. Review status: criteria provided, single submitter. Criteria: Invitae Variant Classification Sherloc (09022015). Collection method: clinical testing. Allele origin: germline.
Comment: This sequence change replaces lysine, which is basic and polar, with asparagine, which is neutral and polar, at codon 115 of the RS1 protein (p.Lys115Asn). This variant is not present in population databases (gnomAD no frequency). This variant has not been reported in the literature in individuals affected with RS1-related conditions. Advanced modeling of protein sequence and biophysical properties (such as structural, functional, and spatial information, amino acid conservation, physicochemical variation, residue mobility, and thermodynamic stability) has been performed at Invitae for this missense variant, however the output from this modeling did not meet the statistical confidence thresholds required to predict the impact of this variant on RS1 protein function. In summary, the available evidence is currently insufficient to determine the role of this variant in disease. Therefore, it has been classified as a Variant of Uncertain Significance.